The following is an entry in ClinVar:

NM_052844.4(DYNC2I2):c.582C>G (p.Phe194Leu)

Gene: DYNC2I2 (dynein 2 intermediate chain 2; minus strand). Cytogenetic location: 9q34.11.
Variant type: single nucleotide variant.
Coding change: c.582C>G on transcript NM_052844.4 (MANE Select); coding-DNA position 582, C replaced by G.
Protein change: p.Phe194Leu; replaces phenylalanine 194 with leucine.
Molecular consequence: missense variant.
Genome position (GRCh38, 1-based): chr9:128,636,402, G>C on the plus strand (C>G on the coding strand, the complement: DYNC2I2 is on the minus strand). VCF-style: chr9-128636402-G-C. GRCh37 (hg19) VCF-style: chr9-131398681-G-C.
Other names: short protein forms F194L.
Identifiers: ClinVar variation 4771932 (VCV004771932.1).

ClinVar aggregate classification (germline): Uncertain significance (1 of 4 stars; one submission).

Conditions:
Short-rib thoracic dysplasia 11 with or without polydactyly (SRTD11). Also called: SHORT-RIB THORACIC DYSPLASIA 11 WITHOUT POLYDACTYLY. Identifiers: Orphanet 474, Orphanet 93271, MedGen C3810200, MONDO:0014287, OMIM 615633.

gnomAD v4.1: 2 of 1,610,158 alleles (0.00012%); highest among the groups gnomAD compares: Non-Finnish European, 0.00017%; no homozygotes.

Submission:

Labcorp Genetics (formerly Invitae), Labcorp
Classification: Uncertain significance for Short-rib thoracic dysplasia 11 with or without polydactyly. Last evaluated: 2025-03-16. Review status: criteria provided, single submitter. Criteria: Invitae Variant Classification Sherloc (09022015). Collection method: clinical testing. Allele origin: germline.
Comment: This sequence change replaces phenylalanine, which is neutral and non-polar, with leucine, which is neutral and non-polar, at codon 194 of the WDR34 protein (p.Phe194Leu). This variant is not present in population databases (gnomAD no frequency). This variant has not been reported in the literature in individuals affected with WDR34-related conditions. An algorithm developed to predict the effect of missense changes on protein structure and function (PolyPhen-2) suggests that this variant is likely to be tolerated. In summary, the available evidence is currently insufficient to determine the role of this variant in disease. Therefore, it has been classified as a Variant of Uncertain Significance.